The following is an entry in ClinVar:

ClinVar aggregate classification (germline): Uncertain significance (1 of 4 stars; one submission).

Conditions:
OTOG-related disorder. Also called: OTOG-related condition.

Submission:

PreventionGenetics, part of Exact Sciences
Classification: Uncertain significance for OTOG-related condition. Last evaluated: 2025-10-23. Review status: criteria provided, single submitter. Criteria: ACMG Guidelines, 2015. Collection method: clinical testing. Allele origin: germline.
Comment: The OTOG c.817A>G variant is predicted to result in the amino acid substitution p.Met273Val. To our knowledge, this variant has not been reported in the literature or in a large population database (gnomAD), indicating this variant is rare. At this time, the clinical significance of this variant is uncertain due to the absence of conclusive functional and genetic evidence.

NM_001292063.2(OTOG):c.781A>G (p.Met261Val)

Gene: OTOG (otogelin; plus strand). Cytogenetic location: 11p15.1.
Variant type: single nucleotide variant.
Coding change: c.781A>G on transcript NM_001292063.2 (MANE Select); coding-DNA position 781, A replaced by G.
Protein change: p.Met261Val; replaces methionine 261 with valine.
Molecular consequence: missense variant.
Genome position (GRCh38, 1-based): chr11:17,557,239, A>G. VCF-style: chr11-17557239-A-G. GRCh37 (hg19) VCF-style: chr11-17578786-A-G.
Other names: c.817A>G, p.Met273Val (NM_001277269.2); short protein forms M273V, M261V.
Identifiers: ClinVar variation 4994172 (VCV004994172.1).